The following is an entry in ClinVar:

ClinVar aggregate classification (germline): Conflicting classifications of pathogenicity. Review status: criteria provided, conflicting classifications (1 of 4 stars). 3 submissions from 3 submitters: Likely pathogenic (1); Uncertain significance (1). 1 of the submissions does not count toward it. Last evaluated 2016-10-01.

Conditions:
Epilepsy, juvenile myoclonic, susceptibility to, 10. Identifiers: MedGen C4693613, MONDO:0060671, OMIM 617924.
Endocrine-cerebro-osteodysplasia syndrome. Identifiers: Orphanet 199332, MedGen C2675227, MONDO:0012980, OMIM 612651.

Allele frequency attached by ClinVar (database versions not stated): gnomAD 0.00001 and 0.00002; TOPMed 0.00001.
gnomAD v4.1: 8 of 1,613,906 alleles (0.0005%); highest among the groups gnomAD compares: Admixed American, 0.0017%; no homozygotes.

Submissions (3):

CeGaT Center for Human Genetics Tuebingen
Classification: Likely pathogenic. Last evaluated: 2016-10-01. Review status: criteria provided, single submitter. Criteria: CeGaT Center For Human Genetics Tuebingen Variant Classification Criteria Version 2. Collection method: clinical testing. Allele origin: germline. Affected: yes. Observed: 1 variant allele.

Juno Genomics, Hangzhou Juno Genomics, Inc
Classification: Uncertain significance for Epilepsy, juvenile myoclonic, susceptibility to, 10; Endocrine-cerebro-osteodysplasia syndrome. Review status: criteria provided, single submitter. Criteria: ACMG Guidelines, 2015. Collection method: clinical testing. Allele origin: germline.
Comment: Absent from controls (or at extremely low frequency if recessive) in Genome Aggregation Database.

Clinical Genetics Laboratory, University Hospital Schleswig-Holstein
Classification: Uncertain significance for Epilepsy, juvenile myoclonic, susceptibility to, 10. Last evaluated: 2024-01-04. Review status: no assertion criteria provided. Collection method: clinical testing. Allele origin: germline. Affected: yes. Not counted in ClinVar's aggregate classification.

NM_014920.5(CILK1):c.814C>T (p.Arg272Ter)

Gene: CILK1 (ciliogenesis associated kinase 1; minus strand). Cytogenetic location: 6p12.1.
Variant type: single nucleotide variant.
Coding change: c.814C>T on transcript NM_014920.5 (MANE Select); coding-DNA position 814, C replaced by T.
Protein change: p.Arg272Ter; replaces arginine 272 with a stop codon.
Molecular consequence: nonsense. On other transcripts: non-coding transcript variant (1).
Genome position (GRCh38, 1-based): chr6:53,016,100, G>A on the plus strand (C>T on the coding strand, the complement: CILK1 is on the minus strand). VCF-style: chr6-53016100-G-A. GRCh37 (hg19) VCF-style: chr6-52880898-G-A.
Other names: c.814C>T, p.Arg272Ter (NM_001375397.1, NM_001375398.1, NM_001375399.1 and 4 more transcripts); short protein forms R272*.
Identifiers: ClinVar variation 809947 (VCV000809947.44), dbSNP rs772883200, ClinGen allele CA364469965.